The following is an entry in ClinVar:

ClinVar aggregate classification (germline): Pathogenic (1 of 4 stars; one submission).

Submission:

Labcorp Genetics (formerly Invitae), Labcorp
Classification: Pathogenic. Last evaluated: 2022-07-06. Review status: criteria provided, single submitter. Criteria: Invitae Variant Classification Sherloc (09022015). Collection method: clinical testing. Allele origin: germline.
Comment: This sequence change creates a premature translational stop signal (p.Tyr684Cysfs*18) in the EMC1 gene. It is expected to result in an absent or disrupted protein product. Loss-of-function variants in EMC1 are known to be pathogenic (PMID: 26572623, 26942288, 29271071). This variant is not present in population databases (gnomAD no frequency). This variant has not been reported in the literature in individuals affected with EMC1-related conditions. For these reasons, this variant has been classified as Pathogenic.

Literature cited by the submitters: PubMed 26572623; PubMed 26942288; PubMed 29271071.

NM_015047.3(EMC1):c.2026_2050dup (p.Tyr684fs)

Genes: EMC1 (ER membrane protein complex subunit 1; minus strand), EMC1-AS1 (EMC1 antisense RNA 1; plus strand). Cytogenetic location: 1p36.13.
Variant type: Duplication.
Coding change: c.2026_2050dup on transcript NM_015047.3 (MANE Select); coding-DNA positions 2026 to 2050, 25 bases duplicated (GCAGAGCAGGGACGGCTGTGTGGAT).
Protein change: p.Tyr684fs; shifts the reading frame from tyrosine 684.
Molecular consequence: frameshift variant.
Genome position (GRCh38, 1-based): chr1:19,230,858-19,230,882, ATCCACACAGCCGTCCCTGCTCTGC duplicated on the plus strand (GCAGAGCAGGGACGGCTGTGTGGAT on the coding strand, the reverse complement: EMC1 is on the minus strand); duplicating any 25 consecutive bases within chr1:19,230,858-19,230,888 gives the same sequence; the c. name uses the placement nearest the transcript's 3' end. VCF-style (leftmost placement, unchanged base first): chr1-19230857-T-TATCCACACAGCCGTCCCTGCTCTGC. GRCh37 (hg19) VCF-style: chr1-19557351-T-TATCCACACAGCCGTCCCTGCTCTGC.
Other names: c.2023_2047dup, p.Tyr683fs (NM_001271427.2, NM_001271428.2); c.1960_1984dup, p.Tyr662fs (NM_001271429.2); c.2035_2059dup, p.Tyr687fs (NM_001375820.1); c.2032_2056dup, p.Tyr686fs (NM_001375821.1); short protein forms Y662fs, Y687fs, Y683fs, Y684fs, Y686fs.
Identifiers: ClinVar variation 2014464 (VCV002014464.4), dbSNP rs2536718328, ClinGen allele CA2580061413.